The following is an entry in ClinVar:

NM_023935.3(DDRGK1):c.811A>G (p.Ile271Val)

Gene: DDRGK1 (DDRGK domain containing 1; minus strand). Cytogenetic location: 20p13.
Variant type: single nucleotide variant.
Coding change: c.811A>G on transcript NM_023935.3 (MANE Select); coding-DNA position 811, A replaced by G.
Protein change: p.Ile271Val; replaces isoleucine 271 with valine.
Molecular consequence: missense variant.
Genome position (GRCh38, 1-based): chr20:3,190,787, T>C on the plus strand (A>G on the coding strand, the complement: DDRGK1 is on the minus strand). VCF-style: chr20-3190787-T-C. GRCh37 (hg19) VCF-style: chr20-3171433-T-C.
Other names: c.811A>G (NM_023935.1); short protein forms I271V.
Identifiers: ClinVar variation 1489035 (VCV001489035.7), dbSNP rs771277106, ClinGen allele CA9740745.

ClinVar aggregate classification (germline): Uncertain significance. Review status: criteria provided, multiple submitters, no conflicts (2 of 4 stars). 2 submissions from 2 submitters: Uncertain significance (2). Last evaluated 2025-12-16.

Conditions:
Inborn genetic diseases. Identifiers: MedGen C0950123, MeSH D030342.

Allele frequency attached by ClinVar (database versions not stated): gnomAD exomes 0.00001 and 0.00007; ExAC 0.00002; TOPMed 0.00002; gnomAD 0.00003 and 0.00004.

Submissions (2):

Ambry Genetics
Classification: Uncertain significance for Inborn genetic diseases. Last evaluated: 2025-12-16. Review status: criteria provided, single submitter. Criteria: Ambry Variant Classification Scheme 2023. Collection method: clinical testing. Allele origin: germline.

Labcorp Genetics (formerly Invitae), Labcorp
Classification: Uncertain significance. Last evaluated: 2022-11-22. Review status: criteria provided, single submitter. Criteria: Invitae Variant Classification Sherloc (09022015). Collection method: clinical testing. Allele origin: germline.
Comment: In summary, the available evidence is currently insufficient to determine the role of this variant in disease. Therefore, it has been classified as a Variant of Uncertain Significance. Algorithms developed to predict the effect of missense changes on protein structure and function are either unavailable or do not agree on the potential impact of this missense change (SIFT: "Not Available"; PolyPhen-2: "Probably Damaging"; Align-GVGD: "Not Available"). ClinVar contains an entry for this variant (Variation ID: 1489035). This variant has not been reported in the literature in individuals affected with DDRGK1-related conditions. This variant is present in population databases (rs771277106, gnomAD 0.004%). This sequence change replaces isoleucine, which is neutral and non-polar, with valine, which is neutral and non-polar, at codon 271 of the DDRGK1 protein (p.Ile271Val).